The following is an entry in ClinVar:

NM_000051.4(ATM):c.3983del (p.Leu1328fs)

Gene: ATM (ATM serine/threonine kinase; plus strand). Cytogenetic location: 11q22.3.
Variant type: Deletion.
Coding change: c.3983del on transcript NM_000051.4 (MANE Select); coding-DNA position 3983, one base deleted (T; older notation c.3983delT).
Protein change: p.Leu1328fs; shifts the reading frame from leucine 1328.
Molecular consequence: frameshift variant.
Genome position (GRCh38, 1-based): chr11:108,284,463, T deleted; the last of 2 consecutive T bases (chr11:108,284,462-108,284,463); deleting either gives the same sequence. VCF-style (leftmost placement, unchanged base first): chr11-108284461-AT-A. GRCh37 (hg19) VCF-style: chr11-108155188-AT-A.
Other names: c.3983del, p.Leu1328fs (NM_001351834.2); short protein forms L1328fs.
Identifiers: ClinVar variation 1736715 (VCV001736715.2), dbSNP rs2546888200, ClinGen allele CA2580083314.

ClinVar aggregate classification (germline): Pathogenic (1 of 4 stars; one submission).

Conditions:
Hereditary cancer-predisposing syndrome. Also called: Neoplastic Syndromes, Hereditary; Tumor predisposition; Hereditary Cancer Syndrome; Hereditary neoplastic syndrome. Identifiers: Orphanet 140162, MedGen C0027672, MeSH D009386, MONDO:0015356.

Submission:

Ambry Genetics
Classification: Pathogenic for Hereditary cancer-predisposing syndrome. Last evaluated: 2021-06-29. Review status: criteria provided, single submitter. Criteria: Ambry Variant Classification Scheme 2023. Collection method: clinical testing. Allele origin: germline.
Comment: The c.3983delT pathogenic mutation, located in coding exon 25 of the ATM gene, results from a deletion of one nucleotide at nucleotide position 3983, causing a translational frameshift with a predicted alternate stop codon (p.L1328Wfs*21). This alteration is expected to result in loss of function by premature protein truncation or nonsense-mediated mRNA decay. As such, this alteration is interpreted as a disease-causing mutation.